The following is an entry in ClinVar:

NM_000268.4(NF2):c.*974C>T

Gene: NF2 (NF2, moesin-ezrin-radixin like (MERLIN) tumor suppressor; plus strand). Cytogenetic location: 22q12.2.
Variant type: single nucleotide variant.
Coding change: c.*974C>T on transcript NM_000268.4 (MANE Select); 974 bases downstream of the stop codon, C replaced by T.
Molecular consequence: 3 prime UTR variant. On other transcripts: non-coding transcript variant (1).
Genome position (GRCh38, 1-based): chr22:29,695,776, C>T. VCF-style: chr22-29695776-C-T. GRCh37 (hg19) VCF-style: chr22-30091765-C-T.
Other names: c.*1034C>T (NM_016418.5, NM_181828.3, NM_181829.3 and 1 more transcripts); c.*1049C>T (NM_181832.3); c.*974C>T (NM_181833.3).
Identifiers: ClinVar variation 341096 (VCV000341096.6), dbSNP rs8140096, ClinGen allele CA10645253.

ClinVar aggregate classification (germline): Benign. Review status: criteria provided, multiple submitters, no conflicts (2 of 4 stars). 2 submissions from 2 submitters: Benign (2). Last evaluated 2018-01-13.

Conditions:
Neurofibromatosis, type 2 (SWNV). Also called: SCHWANNOMATOSIS, VESTIBULAR; BILATERAL ACOUSTIC NEUROFIBROMATOSIS; NF2-Related Schwannomatosis. Identifiers: Orphanet 637, MedGen C0027832, MONDO:0007039, OMIM 101000. Disease mechanism: loss of function.

Allele frequency attached by ClinVar (database versions not stated): 1000 Genomes Project 0.02855; 1000 Genomes Project 30x 0.03170; gnomAD 0.05362; TOPMed 0.05386; gnomAD exomes 0.06492.
gnomAD v4.1: 13,670 of 233,978 alleles (5.8%); highest among the groups gnomAD compares: Non-Finnish European, 8.2%; 512 homozygotes.

Submissions (2):

Illumina Laboratory Services, Illumina
Classification: Benign for Neurofibromatosis, type 2. Last evaluated: 2018-01-13. Review status: criteria provided, single submitter. Criteria: ICSL Variant Classification Criteria 13 December 2019. Collection method: clinical testing. Allele origin: germline.
Comment: This variant was observed in the ICSL laboratory as part of a predisposition screen in an ostensibly healthy population. It had not been previously curated by ICSL or reported in the Human Gene Mutation Database (HGMD: prior to June 1st, 2018), and was therefore a candidate for classification through an automated scoring system. Utilizing variant allele frequency, disease prevalence and penetrance estimates, and inheritance mode, an automated score was calculated to assess if this variant is too frequent to cause the disease. Based on the score and internal cut-off values, a variant classified as benign is not then subjected to further curation. The score for this variant resulted in a classification of benign for this disease.

Breakthrough Genomics
Classification: Benign. Review status: criteria provided, single submitter. Criteria: ACMG Guidelines, 2015. Collection method: not provided. Allele origin: germline. Inheritance: Autosomal dominant inheritance. Affected: yes.